The following is an entry in ClinVar:

NM_005676.5(RBM10):c.2665G>A (p.Glu889Lys)

Gene: RBM10 (RNA binding motif protein 10; plus strand). Cytogenetic location: Xp11.3.
Variant type: single nucleotide variant.
Coding change: c.2665G>A on transcript NM_005676.5 (MANE Select); coding-DNA position 2665, G replaced by A.
Protein change: p.Glu889Lys; replaces glutamic acid 889 with lysine.
Molecular consequence: missense variant.
Genome position (GRCh38, 1-based): chrX:47,186,385, G>A. VCF-style: chrX-47186385-G-A. GRCh37 (hg19) VCF-style: chrX-47045784-G-A.
Other names: c.2434G>A, p.Glu812Lys (NM_001204466.2); c.2662G>A, p.Glu888Lys (NM_001204467.2); c.2860G>A, p.Glu954Lys (NM_001204468.2); c.2857G>A, p.Glu953Lys (NM_001440861.1); c.2629G>A, p.Glu877Lys (NM_001440862.1); c.2626G>A, p.Glu876Lys (NM_001440863.1); c.2431G>A, p.Glu811Lys (NM_152856.3); short protein forms E876K, E889K, E953K, E954K, E812K, E888K, E811K, E877K.
Identifiers: ClinVar variation 4768279 (VCV004768279.1).
Genomic context (GRCh38, chrX:47,186,385, plus strand): 5'-ATGGGCTGGAAAGAGGGCAGCGGCCTGGGCCGCAAGAAGCAGGGCATTGTAACGCCTATC[G>A]AGGTGAGTCTCAGGCAGTCCTGTCCCATCCCCCAGCACCCCTCACAGCATCCCCCACCAG-3'
Protein context (NP_005667.2, residues 879-899): RKKQGIVTPI[Glu889Lys]AQTRVRGSGL

ClinVar aggregate classification (germline): Uncertain significance (1 of 4 stars; one submission).

gnomAD v4.1: 3 of 1,195,176 alleles (0.00025%); highest among the groups gnomAD compares: East Asian, 0.0031%; no homozygotes.

Submission:

Labcorp Genetics (formerly Invitae), Labcorp
Classification: Uncertain significance. Last evaluated: 2025-02-17. Review status: criteria provided, single submitter. Criteria: Invitae Variant Classification Sherloc (09022015). Collection method: clinical testing. Allele origin: germline.
Comment: This sequence change replaces glutamic acid, which is acidic and polar, with lysine, which is basic and polar, at codon 889 of the RBM10 protein (p.Glu889Lys). This variant is not present in population databases (gnomAD no frequency). This variant has not been reported in the literature in individuals affected with RBM10-related conditions. An algorithm developed to predict the effect of missense changes on protein structure and function (PolyPhen-2) suggests that this variant is likely to be disruptive. In summary, the available evidence is currently insufficient to determine the role of this variant in disease. Therefore, it has been classified as a Variant of Uncertain Significance.